The following is an entry in ClinVar:

NM_000103.4(CYP19A1):c.1442C>T (p.Pro481Leu)

Genes: CYP19A1 (cytochrome P450 family 19 subfamily A member 1; minus strand), MIR4713HG (MIR4713 host gene; plus strand), PIRC66 (piwi-interacting RNA cluster 66; plus strand). Cytogenetic location: 15q21.2.
Variant type: single nucleotide variant.
Coding change: c.1442C>T on transcript NM_000103.4 (MANE Select); coding-DNA position 1442, C replaced by T.
Protein change: p.Pro481Leu; replaces proline 481 with leucine.
Molecular consequence: missense variant.
Genome position (GRCh38, 1-based): chr15:51,210,878, G>A on the plus strand (C>T on the coding strand, the complement: CYP19A1 is on the minus strand). VCF-style: chr15-51210878-G-A. GRCh37 (hg19) VCF-style: chr15-51503075-G-A.
Other names: c.1442C>T, p.Pro481Leu (NM_001347248.1, NM_001347249.2, NM_001347250.2 and 7 more transcripts); short protein forms P481L.
Identifiers: ClinVar variation 5039070 (VCV005039070.1).
Genomic context (GRCh38, chr15:51,210,878, plus strand): 5'-AGACACCTGTCTGAGTTTCTTGGGGTAAAGATCATTTCCAGCATGTTTTTAGTCTCATCT[G>A]GGTGCAAGGACAAGTCGTGTATCTTCTGTATGCTCTCAACACACTGTCCTTGCAATGTCT-3'
Protein context (NP_000094.2, residues 471-491): IQKIHDLSLH[Pro481Leu]DETKNMLEMI

ClinVar aggregate classification (germline): Uncertain significance (1 of 4 stars; one submission).

gnomAD v4.1: 12 of 1,588,896 alleles (0.00076%); highest among the groups gnomAD compares: Non-Finnish European, 0.001%; no homozygotes.

Submission:

CeGaT Center for Human Genetics Tuebingen
Classification: Uncertain significance. Last evaluated: 2026-08-01. Review status: criteria provided, single submitter. Criteria: CeGaT Center For Human Genetics Tuebingen Variant Classification Criteria Version 2. Collection method: clinical testing. Allele origin: germline. Affected: yes. Observed: 1 variant allele.
Comment: CYP19A1: PM2